The following is an entry in ClinVar:

ClinVar aggregate classification (germline): Uncertain significance (1 of 4 stars; one submission).

Conditions:
X-linked severe combined immunodeficiency (SCIDX1). Also called: X-Linked Combined Immunodeficiency Diseases; IMMUNODEFICIENCY 4; SCID, X-LINKED; SEVERE COMBINED IMMUNODEFICIENCY, X-LINKED, T CELL-NEGATIVE, B CELL-POSITIVE, NK CELL-NEGATIVE; T-B+ severe combined immunodeficiency due to gamma chain deficiency. Identifiers: Orphanet 276, MedGen C6022468, MONDO:0010315, OMIM 300400. Disease mechanism: loss of function.

Submission:

Labcorp Genetics (formerly Invitae), Labcorp
Classification: Uncertain significance for X-linked severe combined immunodeficiency. Last evaluated: 2025-07-04. Review status: criteria provided, single submitter. Criteria: Invitae Variant Classification Sherloc (09022015). Collection method: clinical testing. Allele origin: germline.
Comment: This sequence change replaces glutamine, which is neutral and polar, with histidine, which is basic and polar, at codon 200 of the IL2RG protein (p.Gln200His). This variant is not present in population databases (gnomAD no frequency). This variant has not been reported in the literature in individuals affected with IL2RG-related conditions. ClinVar contains an entry for this variant (Variation ID: 2778380). Invitae Evidence Modeling of protein sequence and biophysical properties (such as structural, functional, and spatial information, amino acid conservation, physicochemical variation, residue mobility, and thermodynamic stability) indicates that this missense variant is not expected to disrupt IL2RG protein function with a negative predictive value of 95%. In summary, the available evidence is currently insufficient to determine the role of this variant in disease. Therefore, it has been classified as a Variant of Uncertain Significance.

NM_000206.3(IL2RG):c.600A>T (p.Gln200His)

Gene: IL2RG (interleukin 2 receptor subunit gamma; minus strand). Cytogenetic location: Xq13.1.
Variant type: single nucleotide variant.
Coding change: c.600A>T on transcript NM_000206.3 (MANE Select); coding-DNA position 600, A replaced by T.
Protein change: p.Gln200His; replaces glutamine 200 with histidine.
Molecular consequence: missense variant.
Genome position (GRCh38, 1-based): chrX:71,109,385, T>A on the plus strand (A>T on the coding strand, the complement: IL2RG is on the minus strand). VCF-style: chrX-71109385-T-A. GRCh37 (hg19) VCF-style: chrX-70329235-T-A.
Other names: short protein forms Q200H.
Identifiers: ClinVar variation 2778380 (VCV002778380.3), dbSNP rs767379303, ClinGen allele CA413496161.